The following is an entry in ClinVar:

NM_000094.4(COL7A1):c.7822G>A (p.Gly2608Ser)

Gene: COL7A1 (collagen type VII alpha 1 chain; minus strand). Cytogenetic location: 3p21.31.
Variant type: single nucleotide variant.
Coding change: c.7822G>A on transcript NM_000094.4 (MANE Select); coding-DNA position 7822, G replaced by A.
Protein change: p.Gly2608Ser; replaces glycine 2608 with serine.
Molecular consequence: missense variant.
Genome position (GRCh38, 1-based): chr3:48,568,143, C>T on the plus strand (G>A on the coding strand, the complement: COL7A1 is on the minus strand). VCF-style: chr3-48568143-C-T. GRCh37 (hg19) VCF-style: chr3-48605576-C-T.
Other names: short protein forms G2608S.
Identifiers: ClinVar variation 4537278 (VCV004537278.1).

ClinVar aggregate classification (germline): Uncertain significance (1 of 4 stars; one submission).

Submission:

Women's Health and Genetics/Laboratory Corporation of America, LabCorp
Classification: Uncertain significance. Last evaluated: 2025-11-20. Review status: criteria provided, single submitter. Criteria: LabCorp Variant Classification Summary - May 2015. Collection method: clinical testing. Allele origin: germline.
Comment: Variant summary: COL7A1 c.7822G>A (p.Gly2608Ser) results in a non-conservative amino acid change in the encoded protein sequence. Algorithms developed to predict the effect of missense changes on protein structure and function all suggest that this variant is likely to be disruptive. The frequency data for this variant in gnomAD is considered unreliable, as metrics indicate poor data quality at this position. c.7822G>A has been observed in an individual affected with Dystrophic Epidermolysis Bullosa, Recessive (e.g., Chen_2023). These data do not allow any conclusion about variant significance. To our knowledge, no experimental evidence demonstrating an impact on protein function has been reported. The following publication has been ascertained in the context of this evaluation (PMID: 36287101). No submitters have cited clinical-significance assessments for this variant to ClinVar. Based on the evidence outlined above, the variant was classified as uncertain significance.

Literature cited by the submitters: PubMed 36287101.